The following is an entry in ClinVar:

ClinVar aggregate classification (germline): Likely benign. Review status: criteria provided, single submitter (1 of 4 stars). 2 submissions from 2 submitters: Likely benign (1). 1 of the submissions does not count toward it. Last evaluated 2022-10-30.

Conditions:
CRB1-related disorder. Also called: CRB1-related condition; CRB1-related disorders.
Leber congenital amaurosis 8 (LCA8). Identifiers: Orphanet 65, MedGen C3151202, MONDO:0013453, OMIM 613835.
Retinitis pigmentosa 12 (RP12). Also called: RP WITH OR WITHOUT PRESERVED PARAARTERIOLE RETINAL PIGMENT EPITHELIUM; RETINITIS PIGMENTOSA WITH OR WITHOUT PARAARTERIOLAR PRESERVATION OF RETINAL PIGMENT EPITHELIUM; RP WITH OR WITHOUT PPRPE. Identifiers: Orphanet 791, MedGen C1838647, MONDO:0010818, OMIM 600105.

Allele frequency attached by ClinVar (database versions not stated): gnomAD 0.00001; TOPMed 0.00002.
gnomAD v4.1: 1 of 1,613,752 alleles (0.000062%); highest among the groups gnomAD compares: African/African-American, 0.0013%; no homozygotes.

Submissions (2):

Labcorp Genetics (formerly Invitae), Labcorp
Classification: Likely benign for Leber congenital amaurosis 8; Retinitis pigmentosa 12. Last evaluated: 2022-10-30. Review status: criteria provided, single submitter. Criteria: Invitae Variant Classification Sherloc (09022015). Collection method: clinical testing. Allele origin: germline.

PreventionGenetics, part of Exact Sciences
Classification: Likely benign for CRB1-related condition. Last evaluated: 2023-11-21. Review status: no assertion criteria provided. Collection method: clinical testing. Allele origin: germline. Not counted in ClinVar's aggregate classification.
Comment: This variant is classified as likely benign based on ACMG/AMP sequence variant interpretation guidelines (Richards et al. 2015 PMID: 25741868, with internal and published modifications).

NM_201253.3(CRB1):c.2751A>T (p.Thr917=)

Gene: CRB1 (crumbs cell polarity complex component 1; plus strand). Cytogenetic location: 1q31.3.
Variant type: single nucleotide variant.
Coding change: c.2751A>T on transcript NM_201253.3 (MANE Select); coding-DNA position 2751, A replaced by T.
Protein change: p.Thr917=; no amino-acid change (threonine 917 retained).
Molecular consequence: synonymous variant. On other transcripts: non-coding transcript variant (2), intron variant (1).
Genome position (GRCh38, 1-based): chr1:197,429,523, A>T. VCF-style: chr1-197429523-A-T. GRCh37 (hg19) VCF-style: chr1-197398653-A-T.
Other names: c.2415A>T, p.Thr805= (NM_001193640.2); c.2679A>T, p.Thr893= (NM_001257965.2); c.2129-6077A>T (NM_001257966.2); c.2751A>T (NM_201253.2).
Identifiers: ClinVar variation 2941142 (VCV002941142.5), dbSNP rs936120896, ClinGen allele CA35902488.